The following is an entry in ClinVar:

ClinVar aggregate classification (germline): Uncertain significance. Review status: criteria provided, multiple submitters, no conflicts (2 of 4 stars). 2 submissions from 2 submitters: Uncertain significance (2). Last evaluated 2026-06-26.

Conditions:
Pancreatic adenocarcinoma. Identifiers: MedGen C0281361, MONDO:0006047, HP:0006725.

Allele frequency attached by ClinVar (database versions not stated): gnomAD exomes 0.00001.
gnomAD v4.1: 7 of 1,502,424 alleles (0.00047%); highest among the groups gnomAD compares: East Asian, 0.019%; no homozygotes.

Submissions (2):

Ambry Genetics
Classification: Uncertain significance. Last evaluated: 2026-06-26. Review status: criteria provided, single submitter. Criteria: Ambry Variant Classification Scheme 2023. Collection method: clinical testing. Allele origin: germline.
Comment: The p.P23S variant (also known as c.67C>T), located in coding exon 1 of the PALLD gene, results from a C to T substitution at nucleotide position 67. The proline at codon 23 is replaced by serine, an amino acid with similar properties. This amino acid position is conserved. In addition, the in silico prediction for this alteration is inconclusive. Based on the available evidence, the clinical significance of this variant remains unclear.

Labcorp Genetics (formerly Invitae), Labcorp
Classification: Uncertain significance for Pancreatic adenocarcinoma. Last evaluated: 2021-07-23. Review status: criteria provided, single submitter. Criteria: Invitae Variant Classification Sherloc (09022015). Collection method: clinical testing. Allele origin: germline.
Comment: In summary, the available evidence is currently insufficient to determine the role of this variant in disease. Therefore, it has been classified as a Variant of Uncertain Significance. Algorithms developed to predict the effect of missense changes on protein structure and function are either unavailable or do not agree on the potential impact of this missense change (SIFT: "Deleterious"; PolyPhen-2: "Benign"; Align-GVGD: "Class C65"). This variant has not been reported in the literature in individuals with PALLD-related conditions. The frequency data for this variant in the population databases is considered unreliable, as metrics indicate insufficient coverage at this position in the ExAC database. This sequence change replaces proline with serine at codon 23 of the PALLD protein (p.Pro23Ser). The proline residue is highly conserved and there is a moderate physicochemical difference between proline and serine.

NM_001166108.2(PALLD):c.1965-12964C>T

Gene: PALLD (palladin, cytoskeletal associated protein; plus strand). Cytogenetic location: 4q32.3.
Variant type: single nucleotide variant.
Coding change: c.1965-12964C>T on transcript NM_001166108.2 (MANE Select); 12964 bases into the intron before coding-DNA position 1965, C replaced by T.
Molecular consequence: intron variant. On other transcripts: missense variant (1).
Genome position (GRCh38, 1-based): chr4:168,877,958, C>T. VCF-style: chr4-168877958-C-T. GRCh37 (hg19) VCF-style: chr4-169799109-C-T.
Other names: c.67C>T (NM_001166110.1); c.67C>T, p.Pro23Ser (NM_001166110.2); c.1965-12964C>T (NM_016081.4); c.819-12964C>T (NM_001166109.2); c.-157-12964C>T (NM_001367570.1, NM_001367568.1, NM_001367567.1 and 1 more transcripts); short protein forms P23S.
Identifiers: ClinVar variation 1010472 (VCV001010472.10), dbSNP rs1752004838, ClinGen allele CA358794875.